The following is an entry in ClinVar:

NM_206933.4(USH2A):c.568A>C (p.Thr190Pro)

Gene: USH2A (usherin; minus strand). Cytogenetic location: 1q41.
Variant type: single nucleotide variant.
Coding change: c.568A>C on transcript NM_206933.4 (MANE Select); coding-DNA position 568, A replaced by C.
Protein change: p.Thr190Pro; replaces threonine 190 with proline.
Molecular consequence: missense variant.
Genome position (GRCh38, 1-based): chr1:216,418,597, T>G on the plus strand (A>C on the coding strand, the complement: USH2A is on the minus strand). VCF-style: chr1-216418597-T-G. GRCh37 (hg19) VCF-style: chr1-216591939-T-G.
Other names: c.568A>C, p.Thr190Pro (NM_007123.6); short protein forms T190P.
Identifiers: ClinVar variation 3696997 (VCV003696997.2).

ClinVar aggregate classification (germline): Uncertain significance (1 of 4 stars; one submission).

Submission:

Labcorp Genetics (formerly Invitae), Labcorp
Classification: Uncertain significance. Last evaluated: 2025-06-25. Review status: criteria provided, single submitter. Criteria: Invitae Variant Classification Sherloc (09022015). Collection method: clinical testing. Allele origin: germline.
Comment: This sequence change replaces threonine, which is neutral and polar, with proline, which is neutral and non-polar, at codon 190 of the USH2A protein (p.Thr190Pro). This variant is not present in population databases (gnomAD no frequency). This missense change has been observed in individual(s) with Usher syndrome (PMID: 32675063). ClinVar contains an entry for this variant (Variation ID: 3696997). Invitae Evidence Modeling of protein sequence and biophysical properties (such as structural, functional, and spatial information, amino acid conservation, physicochemical variation, residue mobility, and thermodynamic stability) has been performed for this missense variant. However, the output from this modeling did not meet the statistical confidence thresholds required to predict the impact of this variant on USH2A protein function. In summary, the available evidence is currently insufficient to determine the role of this variant in disease. Therefore, it has been classified as a Variant of Uncertain Significance.

Literature cited by the submitters: PubMed 32675063.